The following is an entry in ClinVar:

NM_003238.6(TGFB2):c.306G>T (p.Glu102Asp)

Gene: TGFB2 (transforming growth factor beta 2; plus strand). Cytogenetic location: 1q41.
Variant type: single nucleotide variant.
Coding change: c.306G>T on transcript NM_003238.6 (MANE Select); coding-DNA position 306, G replaced by T.
Protein change: p.Glu102Asp; replaces glutamic acid 102 with aspartic acid.
Molecular consequence: missense variant. On other transcripts: non-coding transcript variant (2).
Genome position (GRCh38, 1-based): chr1:218,347,007, G>T. VCF-style: chr1-218347007-G-T. GRCh37 (hg19) VCF-style: chr1-218520349-G-T.
Other names: c.306G>T, p.Glu102Asp (NM_001135599.4); short protein forms E102D.
Identifiers: ClinVar variation 2014001 (VCV002014001.4), dbSNP rs754502128, ClinGen allele CA344725742.

ClinVar aggregate classification (germline): Uncertain significance (1 of 4 stars; one submission).

Conditions:
Loeys-Dietz syndrome 4 (LDS4). Also called: ANEURYSM, AORTIC AND CEREBRAL, WITH ARTERIAL TORTUOSITY AND SKELETAL MANIFESTATIONS; TGFB2-Related Loeys-Dietz Syndrome. Identifiers: MedGen C3553762, MONDO:0013897, OMIM 614816.

Submission:

Labcorp Genetics (formerly Invitae), Labcorp
Classification: Uncertain significance for Loeys-Dietz syndrome 4. Last evaluated: 2022-07-08. Review status: criteria provided, single submitter. Criteria: Invitae Variant Classification Sherloc (09022015). Collection method: clinical testing. Allele origin: germline.
Comment: This sequence change replaces glutamic acid, which is acidic and polar, with aspartic acid, which is acidic and polar, at codon 102 of the TGFB2 protein (p.Glu102Asp). This variant is not present in population databases (gnomAD no frequency). This variant has not been reported in the literature in individuals affected with TGFB2-related conditions. Advanced modeling of protein sequence and biophysical properties (such as structural, functional, and spatial information, amino acid conservation, physicochemical variation, residue mobility, and thermodynamic stability) performed at Invitae indicates that this missense variant is not expected to disrupt TGFB2 protein function. In summary, the available evidence is currently insufficient to determine the role of this variant in disease. Therefore, it has been classified as a Variant of Uncertain Significance.